The following is an entry in ClinVar:

NM_000179.3(MSH6):c.2719G>A (p.Val907Ile)

Gene: MSH6 (mutS homolog 6; plus strand). Cytogenetic location: 2p16.3.
Variant type: single nucleotide variant.
Coding change: c.2719G>A on transcript NM_000179.3 (MANE Select); coding-DNA position 2719, G replaced by A.
Protein change: p.Val907Ile; replaces valine 907 with isoleucine.
Molecular consequence: missense variant.
Genome position (GRCh38, 1-based): chr2:47,800,702, G>A. VCF-style: chr2-47800702-G-A. GRCh37 (hg19) VCF-style: chr2-48027841-G-A.
Other names: c.2329G>A, p.Val777Ile (NM_001281492.2); c.1813G>A, p.Val605Ile (NM_001281493.2, NM_001281494.2); short protein forms V907I, V777I, V605I.
Identifiers: ClinVar variation 572310 (VCV000572310.12), dbSNP rs1558666445, ClinGen allele CA346755353.

ClinVar aggregate classification (germline): Conflicting classifications of pathogenicity. Review status: criteria provided, conflicting classifications (1 of 4 stars). 2 submissions from 2 submitters: Uncertain significance (1); Likely benign (1). Last evaluated 2024-10-23.

Conditions:
Hereditary nonpolyposis colorectal neoplasms. Identifiers: MedGen C0009405, MeSH D003123.
Hereditary cancer-predisposing syndrome. Also called: Neoplastic Syndromes, Hereditary; Hereditary Cancer Syndrome; Tumor predisposition; Hereditary neoplastic syndrome. Identifiers: Orphanet 140162, MedGen C0027672, MeSH D009386, MONDO:0015356.

Allele frequency attached by ClinVar (database versions not stated): gnomAD exomes below 0.00001.
gnomAD v4.1: 3 of 1,614,200 alleles (0.00019%); highest among the groups gnomAD compares: Non-Finnish European, 0.00017%; no homozygotes.

Submissions (2):

Labcorp Genetics (formerly Invitae), Labcorp
Classification: Uncertain significance for Hereditary nonpolyposis colorectal neoplasms. Last evaluated: 2024-10-23. Review status: criteria provided, single submitter. Criteria: Invitae Variant Classification Sherloc (09022015). Collection method: clinical testing. Allele origin: germline.
Comment: This sequence change replaces valine, which is neutral and non-polar, with isoleucine, which is neutral and non-polar, at codon 907 of the MSH6 protein (p.Val907Ile). This variant is not present in population databases (gnomAD no frequency). This variant has not been reported in the literature in individuals affected with MSH6-related conditions. ClinVar contains an entry for this variant (Variation ID: 572310). Invitae Evidence Modeling of protein sequence and biophysical properties (such as structural, functional, and spatial information, amino acid conservation, physicochemical variation, residue mobility, and thermodynamic stability) indicates that this missense variant is not expected to disrupt MSH6 protein function with a negative predictive value of 95%. In summary, the available evidence is currently insufficient to determine the role of this variant in disease. Therefore, it has been classified as a Variant of Uncertain Significance.

Ambry Genetics
Classification: Likely benign for Hereditary cancer-predisposing syndrome. Last evaluated: 2024-05-16. Review status: criteria provided, single submitter. Criteria: Ambry Variant Classification Scheme 2023. Collection method: clinical testing. Allele origin: germline.